The following is an entry in ClinVar:

ClinVar aggregate classification (germline): Uncertain significance (1 of 4 stars; one submission).

Submission:

Labcorp Genetics (formerly Invitae), Labcorp
Classification: Uncertain significance. Last evaluated: 2021-11-27. Review status: criteria provided, single submitter. Criteria: Invitae Variant Classification Sherloc (09022015). Collection method: clinical testing. Allele origin: germline.
Comment: In summary, the available evidence is currently insufficient to determine the role of this variant in disease. Therefore, it has been classified as a Variant of Uncertain Significance. Algorithms developed to predict the effect of missense changes on protein structure and function (SIFT, PolyPhen-2, Align-GVGD) all suggest that this variant is likely to be tolerated. This variant has not been reported in the literature in individuals affected with EYS-related conditions. This variant is not present in population databases (gnomAD no frequency). This sequence change replaces alanine, which is neutral and non-polar, with proline, which is neutral and non-polar, at codon 1792 of the EYS protein (p.Ala1792Pro).

NM_001142800.2(EYS):c.5374G>C (p.Ala1792Pro)

Gene: EYS (EGF-like photoreceptor maintenance factor; minus strand). Cytogenetic location: 6q12.
Variant type: single nucleotide variant.
Coding change: c.5374G>C on transcript NM_001142800.2 (MANE Select); coding-DNA position 5374, G replaced by C.
Protein change: p.Ala1792Pro; replaces alanine 1792 with proline.
Molecular consequence: missense variant.
Genome position (GRCh38, 1-based): chr6:64,590,493, C>G on the plus strand (G>C on the coding strand, the complement: EYS is on the minus strand). VCF-style: chr6-64590493-C-G. GRCh37 (hg19) VCF-style: chr6-65300386-C-G.
Other names: c.5374G>C, p.Ala1792Pro (NM_001292009.2); short protein forms A1792P.
Identifiers: ClinVar variation 1427679 (VCV001427679.6), dbSNP rs901144230, ClinGen allele CA364781241.